The following is an entry in ClinVar:

ClinVar aggregate classification (germline): Pathogenic. Review status: criteria provided, multiple submitters, no conflicts (2 of 4 stars). 2 submissions from 2 submitters: Pathogenic (2). Last evaluated 2025-04-20.

Conditions:
Inborn genetic diseases. Identifiers: MedGen C0950123, MeSH D030342.
Charcot-Marie-Tooth disease type 4. Also called: Charcot-Marie-Tooth, Type 4; Charcot-Marie-Tooth disease, type IV. Identifiers: Orphanet 64749, MedGen C4082197, MONDO:0018995.

Allele frequency attached by ClinVar (database versions not stated): gnomAD exomes 0.00001.
gnomAD v4.1: 8 of 1,613,962 alleles (0.0005%); highest among the groups gnomAD compares: South Asian, 0.0011%; no homozygotes.

Submissions (2):

Labcorp Genetics (formerly Invitae), Labcorp
Classification: Pathogenic for Charcot-Marie-Tooth disease type 4. Last evaluated: 2025-04-20. Review status: criteria provided, single submitter. Criteria: Invitae Variant Classification Sherloc (09022015). Collection method: clinical testing. Allele origin: germline.
Comment: This sequence change creates a premature translational stop signal (p.Arg77*) in the SBF2 gene. It is expected to result in an absent or disrupted protein product. Loss-of-function variants in SBF2 are known to be pathogenic (PMID: 12687498, 25873783). This variant is not present in population databases (gnomAD no frequency). This variant has not been reported in the literature in individuals affected with SBF2-related conditions. ClinVar contains an entry for this variant (Variation ID: 1789225). For these reasons, this variant has been classified as Pathogenic.

Ambry Genetics
Classification: Pathogenic for Inborn genetic diseases. Last evaluated: 2021-06-08. Review status: criteria provided, single submitter. Criteria: Ambry Variant Classification Scheme 2023. Collection method: clinical testing. Allele origin: germline.
Comment: The p.R77* pathogenic mutation (also known as c.229C>T), located in coding exon 3 of the SBF2 gene, results from a C to T substitution at nucleotide position 229. This changes the amino acid from an arginine to a stop codon within coding exon 3. This alteration is expected to result in loss of function by premature protein truncation or nonsense-mediated mRNA decay. As such, this alteration is interpreted as a disease-causing mutation.

Literature cited by the submitters: PubMed 12687498 (cited by Labcorp Genetics (formerly Invitae), Labcorp); PubMed 25873783 (cited by Labcorp Genetics (formerly Invitae), Labcorp).

NM_030962.4(SBF2):c.229C>T (p.Arg77Ter)

Gene: SBF2 (SET binding factor 2; minus strand). Cytogenetic location: 11p15.4.
Variant type: single nucleotide variant.
Coding change: c.229C>T on transcript NM_030962.4 (MANE Select); coding-DNA position 229, C replaced by T.
Protein change: p.Arg77Ter; replaces arginine 77 with a stop codon.
Molecular consequence: nonsense.
Genome position (GRCh38, 1-based): chr11:10,042,894, G>A on the plus strand (C>T on the coding strand, the complement: SBF2 is on the minus strand). VCF-style: chr11-10042894-G-A. GRCh37 (hg19) VCF-style: chr11-10064441-G-A.
Other names: c.229C>T, p.Arg77Ter (NM_001386339.1, NM_001386342.1); short protein forms R77*.
Identifiers: ClinVar variation 1789225 (VCV001789225.3), dbSNP rs890667586, ClinGen allele CA217636254.